The following is an entry in ClinVar:

NM_001283009.2(RTEL1):c.3709C>T (p.Pro1237Ser)

Genes: RTEL1 (regulator of telomere elongation helicase 1; plus strand), RTEL1-TNFRSF6B (RTEL1-TNFRSF6B readthrough (NMD candidate); plus strand). Cytogenetic location: 20q13.33.
Variant type: single nucleotide variant.
Coding change: c.3709C>T on transcript NM_001283009.2 (MANE Select); coding-DNA position 3709, C replaced by T.
Protein change: p.Pro1237Ser; replaces proline 1237 with serine.
Molecular consequence: missense variant. On other transcripts: non-coding transcript variant (1), intron variant (3).
Genome position (GRCh38, 1-based): chr20:63,695,537, C>T. VCF-style: chr20-63695537-C-T. GRCh37 (hg19) VCF-style: chr20-62326890-C-T.
Other names: c.2983+57C>T (NM_001283010.1); c.3724+57C>T (NM_032957.5); c.3652+57C>T (NM_016434.4); short protein forms P1237S.
Identifiers: ClinVar variation 2139227 (VCV002139227.6), dbSNP rs1455414990, ClinGen allele CA409686550.
Genomic context (GRCh38, chr20:63,695,537, plus strand): 5'-TGGGGTGAGCCTCATGGGAGAGACATCGCTGGGCAGCAGGCCACGGGAGCTCCGGGCGGG[C>T]CCCTCTCAGCAGGCTGTGTGTGCCAGGGCTGTGGGGCAGAGGACGTGGTGCCCTTCCAGT-3'
Protein context (NP_001269938.1, residues 1227-1247): GQQATGAPGG[Pro1237Ser]LSAGCVCQGC

ClinVar aggregate classification (germline): Uncertain significance. Review status: criteria provided, multiple submitters, no conflicts (2 of 4 stars). 3 submissions from 3 submitters: Uncertain significance (3). Last evaluated 2025-11-15.

Conditions:
Inborn genetic diseases. Identifiers: MedGen C0950123, MeSH D030342.
Pulmonary fibrosis and/or bone marrow failure, Telomere-related, 3. Also called: PULMONARY FIBROSIS AND/OR BONE MARROW FAILURE SYNDROME, TELOMERE-RELATED, 3. Identifiers: Orphanet 2032, MedGen C4225346, MONDO:0014613, OMIM 616373.
Dyskeratosis congenita, autosomal recessive 5 (DKCB5). Identifiers: MedGen C3554656, MONDO:0014076, OMIM 615190.

Allele frequency attached by ClinVar (database versions not stated): gnomAD 0.00001.
gnomAD v4.1: 5 of 1,612,240 alleles (0.00031%); highest among the groups gnomAD compares: East Asian, 0.0022%; no homozygotes.

Submissions (3):

Ambry Genetics
Classification: Uncertain significance for Inborn genetic diseases. Last evaluated: 2025-11-15. Review status: criteria provided, single submitter. Criteria: Ambry Variant Classification Scheme 2023. Collection method: clinical testing. Allele origin: germline.
Comment: The p.P1237S variant (also known as c.3709C>T), located in coding exon 33 of the RTEL1 gene, results from a C to T substitution at nucleotide position 3709. The proline at codon 1237 is replaced by serine, an amino acid with similar properties. This amino acid position is conserved. In addition, the in silico prediction for this alteration is inconclusive. Based on the available evidence, the clinical significance of this variant remains unclear.

Labcorp Genetics (formerly Invitae), Labcorp
Classification: Uncertain significance for Dyskeratosis congenita, autosomal recessive 5; Pulmonary fibrosis and/or bone marrow failure, Telomere-related, 3. Last evaluated: 2024-07-31. Review status: criteria provided, single submitter. Criteria: Invitae Variant Classification Sherloc (09022015). Collection method: clinical testing. Allele origin: germline.
Comment: This sequence change replaces proline, which is neutral and non-polar, with serine, which is neutral and polar, at codon 1237 of the RTEL1 protein (p.Pro1237Ser). This variant is not present in population databases (gnomAD no frequency). This variant has not been reported in the literature in individuals affected with RTEL1-related conditions. ClinVar contains an entry for this variant (Variation ID: 2139227). An algorithm developed to predict the effect of missense changes on protein structure and function (PolyPhen-2) suggests that this variant is likely to be tolerated. In summary, the available evidence is currently insufficient to determine the role of this variant in disease. Therefore, it has been classified as a Variant of Uncertain Significance.

Blueprint Genetics
Classification: Uncertain significance. Last evaluated: 2024-06-25. Review status: criteria provided, single submitter. Criteria: ACMG Guidelines, 2015. Collection method: clinical testing. Allele origin: germline.